The following is an entry in ClinVar:

ClinVar aggregate classification (germline): Uncertain significance (1 of 4 stars; one submission).

Conditions:
Bethlem myopathy 1A. Also called: Bethlem Muscular Dystrophy; MYOPATHY, BENIGN CONGENITAL, WITH CONTRACTURES; Bethlem myopathy 1. Identifiers: Orphanet 610, MedGen CN029274, MONDO:0024530, OMIM 158810.

Allele frequency attached by ClinVar (database versions not stated): gnomAD below 0.00001 and 0.00001; gnomAD exomes below 0.00001.
gnomAD v4.1: 4 of 1,611,894 alleles (0.00025%); highest among the groups gnomAD compares: South Asian, 0.0044%; no homozygotes.

Submission:

Labcorp Genetics (formerly Invitae), Labcorp
Classification: Uncertain significance for Bethlem myopathy 1A. Last evaluated: 2024-01-17. Review status: criteria provided, single submitter. Criteria: Invitae Variant Classification Sherloc (09022015). Collection method: clinical testing. Allele origin: germline.
Comment: This sequence change replaces arginine, which is basic and polar, with glycine, which is neutral and non-polar, at codon 417 of the COL6A2 protein (p.Arg417Gly). This variant is present in population databases (no rsID available, gnomAD 0.003%). This variant has not been reported in the literature in individuals affected with COL6A2-related conditions. ClinVar contains an entry for this variant (Variation ID: 1034918). Advanced modeling of protein sequence and biophysical properties (such as structural, functional, and spatial information, amino acid conservation, physicochemical variation, residue mobility, and thermodynamic stability) performed at Invitae indicates that this missense variant is not expected to disrupt COL6A2 protein function with a negative predictive value of 80%. In summary, the available evidence is currently insufficient to determine the role of this variant in disease. Therefore, it has been classified as a Variant of Uncertain Significance.

NM_001849.4(COL6A2):c.1249C>G (p.Arg417Gly)

Gene: COL6A2 (collagen type VI alpha 2 chain; plus strand). Cytogenetic location: 21q22.3.
Variant type: single nucleotide variant.
Coding change: c.1249C>G on transcript NM_001849.4 (MANE Select); coding-DNA position 1249, C replaced by G.
Protein change: p.Arg417Gly; replaces arginine 417 with glycine.
Molecular consequence: missense variant.
Genome position (GRCh38, 1-based): chr21:46,119,099, C>G. VCF-style: chr21-46119099-C-G. GRCh37 (hg19) VCF-style: chr21-47539013-C-G.
Other names: c.1249C>G, p.Arg417Gly (NM_058174.3, NM_058175.3); short protein forms R417G.
Identifiers: ClinVar variation 1034918 (VCV001034918.9), dbSNP rs1248584370, ClinGen allele CA410529984.
Genomic context (GRCh38, chr21:46,119,099, plus strand): 5'-GGCAACAGTGGAGCCCCAGGAAGTCCTGGTGTGAAAGGAGCCAAGGGCGGGCCTGGGCCC[C>G]GCGGACCCAAAGGCGAGCCGGTGAGTCCCTCCTGCCCCTGCCTCAGGGCCCCGCTCTGGG-3'
Protein context (NP_001840.3, residues 407-427): VKGAKGGPGP[Arg417Gly]GPKGEPGRRG